The following is an entry in ClinVar:

ClinVar aggregate classification (germline): Uncertain significance (1 of 4 stars; one submission).

gnomAD v4.1: 1 of 1,613,758 alleles (0.000062%); highest among the groups gnomAD compares: Admixed American, 0.0017%; no homozygotes.

Submission:

Labcorp Genetics (formerly Invitae), Labcorp
Classification: Uncertain significance. Last evaluated: 2024-02-27. Review status: criteria provided, single submitter. Criteria: Invitae Variant Classification Sherloc (09022015). Collection method: clinical testing. Allele origin: germline.
Comment: This sequence change replaces valine, which is neutral and non-polar, with glycine, which is neutral and non-polar, at codon 166 of the COL4A1 protein (p.Val166Gly). This variant is not present in population databases (gnomAD no frequency). This variant has not been reported in the literature in individuals affected with COL4A1-related conditions. Advanced modeling of protein sequence and biophysical properties (such as structural, functional, and spatial information, amino acid conservation, physicochemical variation, residue mobility, and thermodynamic stability) performed at Invitae indicates that this missense variant is not expected to disrupt COL4A1 protein function with a negative predictive value of 95%. In summary, the available evidence is currently insufficient to determine the role of this variant in disease. Therefore, it has been classified as a Variant of Uncertain Significance.

NM_001845.6(COL4A1):c.497T>G (p.Val166Gly)

Gene: COL4A1 (collagen type IV alpha 1 chain; minus strand). Cytogenetic location: 13q34.
Variant type: single nucleotide variant.
Coding change: c.497T>G on transcript NM_001845.6 (MANE Select); coding-DNA position 497, T replaced by G.
Protein change: p.Val166Gly; replaces valine 166 with glycine.
Molecular consequence: missense variant.
Genome position (GRCh38, 1-based): chr13:110,210,184, A>C on the plus strand (T>G on the coding strand, the complement: COL4A1 is on the minus strand). VCF-style: chr13-110210184-A-C. GRCh37 (hg19) VCF-style: chr13-110862531-A-C.
Other names: c.497T>G, p.Val166Gly (NM_001303110.2); short protein forms V166G.
Identifiers: ClinVar variation 3701708 (VCV003701708.2).